The following is an entry in ClinVar:

ClinVar aggregate classification (germline): Uncertain significance. Review status: criteria provided, multiple submitters, no conflicts (2 of 4 stars). 3 submissions from 3 submitters: Uncertain significance (2). 1 of the submissions does not count toward it. Last evaluated 2022-02-10.

Conditions:
TG-related disorder. Also called: TG-related condition; TG-related disorders.
Iodotyrosyl coupling defect (TDH3). Also called: THYROID HORMONOGENESIS, GENETIC DEFECT IN, 3; HYPOTHYROIDISM, CONGENITAL, DUE TO DYSHORMONOGENESIS, 3. Identifiers: Orphanet 95716, MedGen C0342194, MONDO:0010135, OMIM 274700.
Autoimmune thyroid disease, susceptibility to, 3. Identifiers: MedGen C1842444, MONDO:0011982, OMIM 608175.

Allele frequency attached by ClinVar (database versions not stated): TOPMed 0.00004; gnomAD exomes 0.00001 and 0.00008; gnomAD 0.00003 and 0.00002; 1000 Genomes Project 0.00040; ExAC 0.00004; 1000 Genomes Project 30x 0.00047.
gnomAD v4.1: 30 of 1,614,184 alleles (0.0019%); highest among the groups gnomAD compares: East Asian, 0.04%; no homozygotes.

Submissions (3):

Fulgent Genetics
Classification: Uncertain significance for Iodotyrosyl coupling defect; Autoimmune thyroid disease, susceptibility to, 3. Last evaluated: 2022-02-10. Review status: criteria provided, single submitter. Criteria: ACMG Guidelines, 2015. Collection method: clinical testing. Allele origin: unknown.

Illumina Laboratory Services, Illumina
Classification: Uncertain significance for Iodotyrosyl coupling defect. Last evaluated: 2017-04-27. Review status: criteria provided, single submitter. Criteria: ICSL Variant Classification Criteria 13 December 2019. Collection method: clinical testing. Allele origin: germline.

PreventionGenetics, part of Exact Sciences
Classification: Uncertain significance for TG-related condition. Last evaluated: 2023-10-18. Review status: no assertion criteria provided. Collection method: clinical testing. Allele origin: germline. Not counted in ClinVar's aggregate classification.
Comment: The TG c.925A>G variant is predicted to result in the amino acid substitution p.Thr309Ala. This variant was reported in a study of individuals with Hypothyroidism (de Filippis et al. 2017. PubMed ID: 28444304). This variant is reported in 0.098% of alleles in individuals of East Asian descent in gnomAD. Although we suspect that this variant may be benign, at this time, the clinical significance of this variant is uncertain due to the absence of conclusive functional and genetic evidence.

NM_003235.5(TG):c.925A>G (p.Thr309Ala)

Gene: TG (thyroglobulin; plus strand). Cytogenetic location: 8q24.22.
Variant type: single nucleotide variant.
Coding change: c.925A>G on transcript NM_003235.5 (MANE Select); coding-DNA position 925, A replaced by G.
Protein change: p.Thr309Ala; replaces threonine 309 with alanine.
Molecular consequence: missense variant.
Genome position (GRCh38, 1-based): chr8:132,882,849, A>G. VCF-style: chr8-132882849-A-G. GRCh37 (hg19) VCF-style: chr8-133895094-A-G.
Other names: short protein forms T309A.
Identifiers: ClinVar variation 909062 (VCV000909062.7), dbSNP rs199712883, ClinGen allele CA4883054.